The following is an entry in ClinVar:

ClinVar aggregate classification (germline): Conflicting classifications of pathogenicity. Review status: criteria provided, conflicting classifications (1 of 4 stars). 2 submissions from 2 submitters: Uncertain significance (1); Likely benign (1). Last evaluated 2026-01-01.

Allele frequency attached by ClinVar (database versions not stated): TOPMed 0.00027; 1000 Genomes Project 30x 0.00031; ExAC 0.00055.
gnomAD v4.1: 214 of 1,536,404 alleles (0.014%); highest among the groups gnomAD compares: South Asian, 0.051%; 1 homozygote.

Submissions (2):

CeGaT Center for Human Genetics Tuebingen
Classification: Likely benign. Last evaluated: 2026-01-01. Review status: criteria provided, single submitter. Criteria: CeGaT Center For Human Genetics Tuebingen Variant Classification Criteria Version 2. Collection method: clinical testing. Allele origin: germline. Affected: yes. Observed: 1 variant allele.
Comment: ZFHX2: BS2

Ambry Genetics
Classification: Uncertain significance. Last evaluated: 2021-07-15. Review status: criteria provided, single submitter. Criteria: Ambry Variant Classification Scheme 2023. Collection method: clinical testing. Allele origin: germline.

NM_033400.3(ZFHX2):c.7691C>T (p.Thr2564Met)

Genes: THTPA (thiamine triphosphatase; plus strand), ZFHX2 (zinc finger homeobox 2; minus strand). Cytogenetic location: 14q11.2.
Variant type: single nucleotide variant.
Coding change: c.7691C>T on transcript NM_033400.3 (MANE Select); coding-DNA position 7691, C replaced by T.
Protein change: p.Thr2564Met; replaces threonine 2564 with methionine.
Molecular consequence: missense variant.
Genome position (GRCh38, 1-based): chr14:23,521,990, G>A on the plus strand (C>T on the coding strand, the complement: ZFHX2 is on the minus strand). VCF-style: chr14-23521990-G-A. GRCh37 (hg19) VCF-style: chr14-23991199-G-A.
Other names: short protein forms T2564M.
Identifiers: ClinVar variation 2359461 (VCV002359461.6), dbSNP rs774695411, ClinGen allele CA7116753.
Genomic context (GRCh38, chr14:23,521,990, plus strand): 5'-GCCCTCCCCTCTCCCCATCTTGGTTAATCTGTTTATAAAGCTAGAAGTGTAGAGGTAGTC[G>A]TAGTTTTTGGGTTGGAGTCCGTGTGAGGTAATCTTGCTTCCTCTTTGGCAAAAGCCACAG-3'
Protein context (NP_207646.2, residues 2554-2572): LPHTDSNPKT[Thr2564Met]TTSTLLAL